The following is an entry in ClinVar:

NM_138927.4(SON):c.3401dup (p.Asp1134fs)

Gene: SON (SON DNA and RNA binding protein; plus strand). Cytogenetic location: 21q22.11.
Variant type: Duplication.
Coding change: c.3401dup on transcript NM_138927.4 (MANE Select); coding-DNA position 3401, one base duplicated (A; older notation c.3401dupA).
Protein change: p.Asp1134fs; shifts the reading frame from aspartic acid 1134.
Molecular consequence: frameshift variant. On other transcripts: non-coding transcript variant (1), intron variant (1).
Genome position (GRCh38, 1-based): chr21:33,552,632, A duplicated. VCF-style (leftmost placement, unchanged base first): chr21-33552631-G-GA. GRCh37 (hg19) VCF-style: chr21-34924937-G-GA.
Other names: c.3401dup, p.Asp1134fs (NM_001291411.2, NM_032195.3); c.245-4524dup (NM_001291412.3); short protein forms D1134fs.
Identifiers: ClinVar variation 4871693 (VCV004871693.1).

ClinVar aggregate classification (germline): Pathogenic (1 of 4 stars; one submission).

Conditions:
ZTTK syndrome (ZTTKS). Also called: Zhu-Tokita-Takenouchi-Kim Syndrome; ZTTK MULTIPLE CONGENITAL ANOMALIES-MENTAL RETARDATION SYNDROME. Identifiers: Orphanet 500150, MedGen C4310696, MONDO:0014936, OMIM 617140.

Submission:

Centro Nacional de Genética Medica, Administración Nacional de Laboratorios e Institutos de Salud (ANLIS) “Dr. Carlos G Malbrán”
Classification: Pathogenic for ZTTK syndrome. Last evaluated: 2026-04-23. Review status: criteria provided, single submitter. Criteria: ACMG Guidelines, 2015. Collection method: clinical testing. Allele origin: germline. Affected: yes. Observed: 1 variant allele.
Comment: The heterozygous genomic variant c.3401dup (NM_138927.4 | ENST00000356577.8) identified in the SON gene corresponds to a duplication located within the coding sequence of exon 3/12. This variant results in a frameshift, altering the aspartic acid residue at position 1134, followed by a sequence of five aberrant amino acids and the introduction of a premature termination codon at position 1139 downstream of the original variant site. Variants of this type generally result in degradation of the messenger RNA through the nonsense-mediated decay (NMD) pathway (PMID: 36875494; PMID: 31474762). Exon 3 encodes approximately 80% of the SON protein, and most pathogenic variants reported in association with Zhu-Tokita-Takenouchi-Kim (ZTTK) syndrome are loss-of-function variants located within this exon. Exon 3 encodes a unique central protein region containing highly repetitive sequences and an arginine/serine-rich domain of currently unknown function (Pfam entry: PF17069). Downstream of this exon, the gene encodes a G-patch domain containing seven highly conserved glycine residues involved in RNA binding (Pfam entry: PF01585), as well as the DND1 (Dead End Protein 1) RNA-binding domain (Pfam entry: PF14709) (PMID: 27545676). Furthermore, SON is an established haploinsufficient gene (PMID: 25590979; PMID: 27545676; PMID: 27256762; PMID: 27545680), and this variant is predicted to result in loss of protein production and function (PVS1). The identified variant is absent from population databases such as gnomAD, ExAC, and the 1000 Genomes Project (PM2_Supporting). The patient's phenotype is consistent with ZTTK syndrome, and SON is strongly associated with this disorder (PP4).

Literature cited by the submitters: PubMed 36875494; PubMed 31474762; PubMed 27545676; PubMed 25590979; PubMed 27256762; PubMed 27545680.